The following is an entry in ClinVar:

ClinVar aggregate classification (germline): Pathogenic/Likely pathogenic. Review status: criteria provided, multiple submitters, no conflicts (2 of 4 stars). 3 submissions from 3 submitters: Pathogenic (1); Likely pathogenic (1). 1 of the submissions does not count toward it. Last evaluated 2024-05-28.

Conditions:
Microcephaly and chorioretinopathy 1. Also called: Microcephaly and chorioretinopathy, autosomal recessive, 1. Identifiers: MedGen C3278481, MONDO:0009624, OMIM 251270.

Allele frequency attached by ClinVar (database versions not stated): gnomAD exomes below 0.00001; gnomAD 0.00001; TOPMed 0.00001.
gnomAD v4.1: 8 of 1,613,916 alleles (0.0005%); highest among the groups gnomAD compares: South Asian, 0.0011%; no homozygotes.

Submissions (3):

Labcorp Genetics (formerly Invitae), Labcorp
Classification: Pathogenic. Last evaluated: 2024-05-28. Review status: criteria provided, single submitter. Criteria: Invitae Variant Classification Sherloc (09022015). Collection method: clinical testing. Allele origin: germline.
Comment: This sequence change creates a premature translational stop signal (p.Arg739*) in the TUBGCP6 gene. It is expected to result in an absent or disrupted protein product. Loss-of-function variants in TUBGCP6 are known to be pathogenic (PMID: 25344692). This variant is present in population databases (rs724159975, gnomAD 0.007%). This premature translational stop signal has been observed in individual(s) with microcephalic primordial dwarfism and centriole dysfunction (PMID: 25344692). ClinVar contains an entry for this variant (Variation ID: 162403). For these reasons, this variant has been classified as Pathogenic.

GeneDx
Classification: Likely pathogenic. Last evaluated: 2023-01-10. Review status: criteria provided, single submitter. Criteria: GeneDx Variant Classification Process June 2021. Collection method: clinical testing. Allele origin: germline. Affected: yes.
Comment: Identified with a second TUBGCP6 variant in a patient with microcephaly with simplified gyral pattern, retinal dystrophy, congenital heart defects, and triphalangeal thumbs in published literature (Martin et al., 2014); Nonsense variant predicted to result in protein truncation or nonsense mediated decay in a gene for which loss of function is a known mechanism of disease; Not observed at significant frequency in large population cohorts (gnomAD); This variant is associated with the following publications: (PMID: 25344692, 34426522, Chen2022[CaseReport])

OMIM
Classification: Pathogenic for MICROCEPHALY AND CHORIORETINOPATHY, AUTOSOMAL RECESSIVE, 1. Last evaluated: 2014-12-01. Review status: no assertion criteria provided. Collection method: literature only. Allele origin: germline. Not counted in ClinVar's aggregate classification.

Literature cited by the submitters: PubMed 25344692 (cited by Labcorp Genetics (formerly Invitae), Labcorp and OMIM).

NM_020461.4(TUBGCP6):c.2215C>T (p.Arg739Ter)

Gene: TUBGCP6 (tubulin gamma complex component 6; minus strand). Cytogenetic location: 22q13.33.
Variant type: single nucleotide variant.
Coding change: c.2215C>T on transcript NM_020461.4 (MANE Select); coding-DNA position 2215, C replaced by T.
Protein change: p.Arg739Ter; replaces arginine 739 with a stop codon.
Molecular consequence: nonsense.
Genome position (GRCh38, 1-based): chr22:50,224,196, G>A on the plus strand (C>T on the coding strand, the complement: TUBGCP6 is on the minus strand). VCF-style: chr22-50224196-G-A. GRCh37 (hg19) VCF-style: chr22-50662625-G-A.
Other names: short protein forms R739*.
Identifiers: ClinVar variation 162403 (VCV000162403.6), dbSNP rs724159975, ClinGen allele CA251204.